The following is an entry in ClinVar:

ClinVar aggregate classification (germline): Pathogenic (1 of 4 stars; one submission).

Submission:

Labcorp Genetics (formerly Invitae), Labcorp
Classification: Pathogenic. Last evaluated: 2024-02-23. Review status: criteria provided, single submitter. Criteria: Invitae Variant Classification Sherloc (09022015). Collection method: clinical testing. Allele origin: germline.
Comment: This sequence change creates a premature translational stop signal (p.Arg8*) in the RP2 gene. It is expected to result in an absent or disrupted protein product. Loss-of-function variants in RP2 are known to be pathogenic (PMID: 11992260, 20625056). This variant is not present in population databases (gnomAD no frequency). This variant has not been reported in the literature in individuals affected with RP2-related conditions. ClinVar contains an entry for this variant (Variation ID: 1457919). For these reasons, this variant has been classified as Pathogenic.

Literature cited by the submitters: PubMed 11992260; PubMed 20625056.

NM_006915.3(RP2):c.22A>T (p.Arg8Ter)

Genes: RP2 (RP2 activator of ARL3 GTPase; plus strand), LOC130068202 (ATAC-STARR-seq lymphoblastoid active region 29577; plus strand). Cytogenetic location: Xp11.3.
Variant type: single nucleotide variant.
Coding change: c.22A>T on transcript NM_006915.3 (MANE Select); coding-DNA position 22, A replaced by T.
Protein change: p.Arg8Ter; replaces arginine 8 with a stop codon.
Molecular consequence: nonsense.
Genome position (GRCh38, 1-based): chrX:46,837,122, A>T. VCF-style: chrX-46837122-A-T. GRCh37 (hg19) VCF-style: chrX-46696557-A-T.
Other names: short protein forms R8*.
Identifiers: ClinVar variation 1457919 (VCV001457919.6), dbSNP rs2147074627, ClinGen allele CA413038181.
Genomic context (GRCh38, chrX:46,837,122, plus strand): 5'-AGCTAGTGAGCTGGCCAACGAGCTCCGCGGGCTGGGACCATGGGCTGCTTCTTCTCCAAG[A>T]GACGGAAGGCTGACAAGGAGTCGCGGCCCGAGAACGAGGAGGAGCGGCCAAAGCAGTACA-3'